The following is an entry in ClinVar:

NM_014319.5(LEMD3):c.3GGC[4] (p.Ala6dup)

Gene: LEMD3 (LEM domain containing 3; plus strand). Cytogenetic location: 12q14.3.
Variant type: Microsatellite.
Coding change: c.3GGC[4] on transcript NM_014319.5 (MANE Select); four copies in a row of the 3-base unit GGC starting at c.3; the reference has three copies in a row; one copy, 3 bases duplicated.
Protein change: p.Ala6dup; duplicates alanine 6.
Molecular consequence: inframe insertion, initiator codon variant.
Genome position (GRCh38, 1-based): chr12:65,169,605-65,169,607, GGC duplicated; duplicating any 3 consecutive bases within chr12:65,169,599-65,169,607 gives the same sequence; the position shown is the placement nearest the transcript's 3' end. VCF-style (leftmost placement, unchanged base first): chr12-65169598-T-TGGC. GRCh37 (hg19) VCF-style: chr12-65563378-T-TGGC.
Other names: c.3GGC[4], p.Ala6dup (NM_001167614.2).
Identifiers: ClinVar variation 1488365 (VCV001488365.8), dbSNP rs759986057, ClinGen allele CA6670645.

ClinVar aggregate classification (germline): Uncertain significance (1 of 4 stars; one submission).

Submission:

Labcorp Genetics (formerly Invitae), Labcorp
Classification: Uncertain significance. Last evaluated: 2023-06-25. Review status: criteria provided, single submitter. Criteria: Invitae Variant Classification Sherloc (09022015). Collection method: clinical testing. Allele origin: germline.
Comment: This variant, c.9_11dup, results in the insertion of 1 amino acid(s) of the LEMD3 protein (p.Ala6dup), but otherwise preserves the integrity of the reading frame. In summary, the available evidence is currently insufficient to determine the role of this variant in disease. Therefore, it has been classified as a Variant of Uncertain Significance. Experimental studies and prediction algorithms are not available or were not evaluated, and the functional significance of this variant is currently unknown. This variant has not been reported in the literature in individuals affected with LEMD3-related conditions. This variant is present in population databases (rs759986057, gnomAD 0.01%).